The following is an entry in ClinVar:

ClinVar aggregate classification (germline): Conflicting classifications of pathogenicity. Review status: criteria provided, conflicting classifications (1 of 4 stars). 5 submissions from 5 submitters: Uncertain significance (1); Likely benign (3). 1 of the submissions does not count toward it. Last evaluated 2026-02-10.

Conditions:
Retinitis pigmentosa (RP). Identifiers: Orphanet 791, MedGen C0035334, MeSH D012174, MONDO:0019200, OMIM 268000. Inheritance: Autosomal dominant, autosomal recessive and X linked inheritance.
Retinitis pigmentosa 26 (RP26). Identifiers: Orphanet 791, MedGen C1842127, MONDO:0012024, OMIM 608380.
CERKL-related disorder. Also called: CERKL-related condition.

Allele frequency attached by ClinVar (database versions not stated): TOPMed 0.00009; gnomAD 0.00010 and 0.00011; gnomAD exomes 0.00011 and 0.00012; ExAC 0.00015; ESP Exome Variant Server 0.00015.

Submissions (5):

PreventionGenetics, part of Exact Sciences
Classification: Likely benign for CERKL-related condition. Last evaluated: 2026-02-10. Review status: criteria provided, single submitter. Criteria: ACMG Guidelines, 2015. Collection method: clinical testing. Allele origin: germline.
Comment: This variant is classified as likely benign based on ACMG/AMP sequence variant interpretation guidelines (Richards et al. 2015 PMID: 25741868, with internal and published modifications).

Labcorp Genetics (formerly Invitae), Labcorp
Classification: Likely benign. Last evaluated: 2026-01-05. Review status: criteria provided, single submitter. Criteria: Invitae Variant Classification Sherloc (09022015). Collection method: clinical testing. Allele origin: germline.

Blueprint Genetics
Classification: Likely benign. Last evaluated: 2024-08-14. Review status: criteria provided, single submitter. Criteria: ACMG Guidelines, 2015. Collection method: clinical testing. Allele origin: germline.

Illumina Laboratory Services, Illumina
Classification: Uncertain significance for Retinitis pigmentosa. Last evaluated: 2018-01-13. Review status: criteria provided, single submitter. Criteria: ICSL Variant Classification Criteria 13 December 2019. Collection method: clinical testing. Allele origin: germline.

Natera, Inc.
Classification: Uncertain significance for Retinitis pigmentosa type 26. Last evaluated: 2020-01-24. Review status: no assertion criteria provided. Collection method: clinical testing. Allele origin: germline. Not counted in ClinVar's aggregate classification.

NM_201548.5(CERKL):c.540A>G (p.Lys180=)

Gene: CERKL (CERK like autophagy regulator; minus strand). Cytogenetic location: 2q31.3.
Variant type: single nucleotide variant.
Coding change: c.540A>G on transcript NM_201548.5 (MANE Select); coding-DNA position 540, A replaced by G.
Protein change: p.Lys180=; no amino-acid change (lysine 180 retained).
Molecular consequence: synonymous variant. On other transcripts: non-coding transcript variant (1), intron variant (2).
Genome position (GRCh38, 1-based): chr2:181,573,826, T>C on the plus strand (A>G on the coding strand, the complement: CERKL is on the minus strand). VCF-style: chr2-181573826-T-C. GRCh37 (hg19) VCF-style: chr2-182438553-T-C.
Other names: c.540A>G, p.Lys180= (NM_001030311.3, NM_001030313.3); c.482-24118A>G (NM_001030312.3); c.482-7705A>G (NM_001160277.2).
Identifiers: ClinVar variation 750313 (VCV000750313.17), dbSNP rs149505471, ClinGen allele CA2010786.